The following is an entry in ClinVar:

NM_001364171.2(ODAD1):c.1708G>A (p.Val570Met)

Gene: ODAD1 (outer dynein arm docking complex subunit 1; minus strand). Cytogenetic location: 19q13.33.
Variant type: single nucleotide variant.
Coding change: c.1708G>A on transcript NM_001364171.2 (MANE Select); coding-DNA position 1708, G replaced by A.
Protein change: p.Val570Met; replaces valine 570 with methionine.
Molecular consequence: missense variant.
Genome position (GRCh38, 1-based): chr19:48,297,392, C>T on the plus strand (G>A on the coding strand, the complement: ODAD1 is on the minus strand). VCF-style: chr19-48297392-C-T. GRCh37 (hg19) VCF-style: chr19-48800649-C-T.
Other names: c.1597G>A, p.Val533Met (NM_144577.4); short protein forms V570M, V533M.
Identifiers: ClinVar variation 939048 (VCV000939048.10), dbSNP rs1968323305, ClinGen allele CA406653427.
Genomic context (GRCh38, chr19:48,297,392, plus strand): 5'-CTCTGCTAGTCTTGTGGCTCAAAATGGACCCGGGGATGGCATGGGGGTGCCTGGTGGGCA[C>T]CAGGACGGTACTGGAGCCGGCCCTCTGGGTGCTGGCCAGGTCCACGCTCAGGGTGCCGTC-3'
Protein context (NP_001351100.1, residues 560-580): TQRAGSSTVL[Val570Met]PTRHPHAIPG

ClinVar aggregate classification (germline): Uncertain significance (1 of 4 stars; one submission).

Conditions:
Primary ciliary dyskinesia. Also called: Ciliary dyskinesia. Identifiers: Orphanet 244, MedGen C0008780, MONDO:0016575, HP:0012265.

Submission:

Labcorp Genetics (formerly Invitae), Labcorp
Classification: Uncertain significance for Primary ciliary dyskinesia. Last evaluated: 2019-10-22. Review status: criteria provided, single submitter. Criteria: Invitae Variant Classification Sherloc (09022015). Collection method: clinical testing. Allele origin: germline.
Comment: In summary, the available evidence is currently insufficient to determine the role of this variant in disease. Therefore, it has been classified as a Variant of Uncertain Significance. Algorithms developed to predict the effect of missense changes on protein structure and function are either unavailable or do not agree on the potential impact of this missense change (SIFT: "Deleterious"; PolyPhen-2: "Possibly Damaging"; Align-GVGD: "Class C0"). This variant has not been reported in the literature in individuals with CCDC114-related conditions. This variant is not present in population databases (ExAC no frequency). This sequence change replaces valine with methionine at codon 533 of the CCDC114 protein (p.Val533Met). The valine residue is weakly conserved and there is a small physicochemical difference between valine and methionine.